The following is an entry in ClinVar:

NM_001429.4(EP300):c.6599G>A (p.Gly2200Glu)

Gene: EP300 (EP300 lysine acetyltransferase; plus strand). Cytogenetic location: 22q13.2.
Variant type: single nucleotide variant.
Coding change: c.6599G>A on transcript NM_001429.4 (MANE Select); coding-DNA position 6599, G replaced by A.
Protein change: p.Gly2200Glu; replaces glycine 2200 with glutamic acid.
Molecular consequence: missense variant.
Genome position (GRCh38, 1-based): chr22:41,178,310, G>A. VCF-style: chr22-41178310-G-A. GRCh37 (hg19) VCF-style: chr22-41574314-G-A.
Other names: c.6521G>A, p.Gly2174Glu (NM_001362843.2); short protein forms G2174E, G2200E.
Identifiers: ClinVar variation 4711308 (VCV004711308.1).

ClinVar aggregate classification (germline): Uncertain significance (1 of 4 stars; one submission).

Conditions:
Rubinstein-Taybi syndrome due to EP300 haploinsufficiency. Also called: EP300-Related Rubinstein-Taybi Syndrome; RUBINSTEIN-TAYBI SYNDROME 2. Identifiers: Orphanet 353284, Orphanet 783, MedGen C3150941, MONDO:0013364, OMIM 613684.

gnomAD v4.1: 4 of 1,614,178 alleles (0.00025%); highest among the groups gnomAD compares: Non-Finnish European, 0.00025%; no homozygotes.

Submission:

Labcorp Genetics (formerly Invitae), Labcorp
Classification: Uncertain significance for Rubinstein-Taybi syndrome due to EP300 haploinsufficiency. Last evaluated: 2025-11-04. Review status: criteria provided, single submitter. Criteria: Invitae Variant Classification Sherloc (09022015). Collection method: clinical testing. Allele origin: germline.
Comment: This sequence change replaces glycine, which is neutral and non-polar, with glutamic acid, which is acidic and polar, at codon 2200 of the EP300 protein (p.Gly2200Glu). This variant is present in population databases (rs766113308, gnomAD 0.0009%). This variant has not been reported in the literature in individuals affected with EP300-related conditions. Invitae Evidence Modeling of protein sequence and biophysical properties (such as structural, functional, and spatial information, amino acid conservation, physicochemical variation, residue mobility, and thermodynamic stability) indicates that this missense variant is not expected to disrupt EP300 protein function with a negative predictive value of 80%. In summary, the available evidence is currently insufficient to determine the role of this variant in disease. Therefore, it has been classified as a Variant of Uncertain Significance.